The following is an entry in ClinVar:

ClinVar aggregate classification (germline): Uncertain significance (1 of 4 stars; one submission).

Conditions:
Juvenile polyposis syndrome (JPS). Identifiers: Orphanet 2929, MedGen C0345893, MONDO:0017380, OMIM 174900.

Submission:

Labcorp Genetics (formerly Invitae), Labcorp
Classification: Uncertain significance for Juvenile polyposis syndrome. Last evaluated: 2021-08-30. Review status: criteria provided, single submitter. Criteria: Invitae Variant Classification Sherloc (09022015). Collection method: clinical testing. Allele origin: germline.
Comment: In summary, the available evidence is currently insufficient to determine the role of this variant in disease. Therefore, it has been classified as a Variant of Uncertain Significance. This sequence change replaces alanine with valine at codon 418 of the SMAD4 protein (p.Ala418Val). The alanine residue is highly conserved and there is a small physicochemical difference between alanine and valine. This variant is not present in population databases (ExAC no frequency). This variant has not been reported in the literature in individuals affected with SMAD4-related conditions. Advanced modeling of protein sequence and biophysical properties (such as structural, functional, and spatial information, amino acid conservation, physicochemical variation, residue mobility, and thermodynamic stability) performed at Invitae indicates that this missense variant is not expected to disrupt SMAD4 protein function.

NM_005359.6(SMAD4):c.1253C>T (p.Ala418Val)

Gene: SMAD4 (SMAD family member 4; plus strand). Cytogenetic location: 18q21.2.
Variant type: single nucleotide variant.
Coding change: c.1253C>T on transcript NM_005359.6 (MANE Select); coding-DNA position 1253, C replaced by T.
Protein change: p.Ala418Val; replaces alanine 418 with valine.
Molecular consequence: missense variant.
Genome position (GRCh38, 1-based): chr18:51,067,132, C>T. VCF-style: chr18-51067132-C-T. GRCh37 (hg19) VCF-style: chr18-48593502-C-T.
Other names: short protein forms A418V.
Identifiers: ClinVar variation 1349963 (VCV001349963.6), dbSNP rs2144452596, ClinGen allele CA402464965.
Genomic context (GRCh38, chr18:51,067,132, plus strand): 5'-GGGTCAGGTGCCTTAGTGACCACGCGGTCTTTGTACAGAGTTACTACTTAGACAGAGAAG[C>T]TGGGCGTGCACCTGGAGATGCTGTTCATAAGATCTACCCAAGTGCATATATAAAGGTTAG-3'
Protein context (NP_005350.1, residues 408-428): FVQSYYLDRE[Ala418Val]GRAPGDAVHK